The following is an entry in ClinVar:

ClinVar aggregate classification (germline): Likely pathogenic. Review status: criteria provided, multiple submitters, no conflicts (2 of 4 stars). 3 submissions from 2 submitters: Likely pathogenic (2). 1 of the submissions does not count toward it. Last evaluated 2021-04-01.

Conditions:
Retinal dystrophy. Also called: Inherited retinal dystrophy. Identifiers: Orphanet 71862, MedGen C0854723, MeSH D058499, MONDO:0019118, HP:0000556.
Retinitis pigmentosa (RP). Identifiers: Orphanet 791, MedGen C0035334, MeSH D012174, MONDO:0019200, OMIM 268000. Inheritance: Autosomal dominant, autosomal recessive and X linked inheritance.
Retinitis pigmentosa 3. Also called: CHOROIDORETINAL DEGENERATION WITH RETINAL REFLEX IN HETEROZYGOUS WOMEN. Identifiers: Orphanet 791, MedGen C1845667, MONDO:0010227, OMIM 300029.

Submissions (3):

Broad Center for Mendelian Genomics, Broad Institute of MIT and Harvard
Classification: Likely pathogenic for Retinitis pigmentosa. Last evaluated: 2021-04-01. Review status: criteria provided, single submitter. Criteria: ACMG Guidelines, 2015. Collection method: curation. Allele origin: germline. Inheritance: X-linked inheritance. Affected: yes.
Comment: Through a review of available evidence we were able to apply the following criteria: PVS1, PM2. Based on this evidence we have classified this variant as Likely Pathogenic. If you have any questions about the classification please reach out to the Pierce Lab.

Blueprint Genetics
Classification: Likely pathogenic for Retinal dystrophy. Last evaluated: 2019-01-05. Review status: criteria provided, single submitter. Criteria: Blueprint Genetics Variant Classification Scheme. Collection method: clinical testing. Allele origin: germline. Affected: yes.

Blueprint Genetics
Classification: Likely pathogenic for Retinitis pigmentosa 3. Review status: no assertion criteria provided. Collection method: clinical testing. Allele origin: germline. Affected: yes. Not counted in ClinVar's aggregate classification.

Literature cited by the submitters: PubMed 34906470 (cited by Broad Center for Mendelian Genomics, Broad Institute of MIT and Harvard).

NM_001034853.2(RPGR):c.2898_2899del (p.Glu967fs)

Gene: RPGR (retinitis pigmentosa GTPase regulator; minus strand). Cytogenetic location: Xp11.4.
Variant type: Deletion.
Coding change: c.2898_2899del on transcript NM_001034853.2 (MANE Select); coding-DNA positions 2898 to 2899, 2 bases deleted (GG; older notation c.2898_2899delGG).
Protein change: p.Glu967fs; shifts the reading frame from glutamic acid 967.
Molecular consequence: frameshift variant. On other transcripts: intron variant (8).
Genome position (GRCh38, 1-based): chrX:38,286,100-38,286,101, CC deleted on the plus strand (GG on the coding strand, the reverse complement: RPGR is on the minus strand); deleting any 2 consecutive bases within chrX:38,286,100-38,286,104 gives the same sequence; the c. name uses the placement nearest the transcript's 3' end. VCF-style (leftmost placement, unchanged base first): chrX-38286099-TCC-T. GRCh37 (hg19) VCF-style: chrX-38145352-TCC-T.
Other names: c.1569+4858_1569+4859del (NM_001367249.1, NM_001367250.1); c.1902+993_1902+994del (NM_001367245.1); c.1386+4858_1386+4859del (NM_001367251.1); c.1719+993_1719+994del (NM_001367246.1); c.1572+4858_1572+4859del (NM_001367247.1); c.1905+993_1905+994del (NM_000328.3); c.1602+4858_1602+4859del (NM_001367248.1); short protein forms E967fs.
Identifiers: ClinVar variation 866254 (VCV000866254.4), dbSNP rs1569235999, ClinGen allele CA658795146.